The following is an entry in ClinVar:

NM_000059.4(BRCA2):c.7481G>A (p.Arg2494Gln)

Gene: BRCA2 (BRCA2 DNA repair associated; plus strand). Cytogenetic location: 13q13.1.
Variant type: single nucleotide variant.
Coding change: c.7481G>A on transcript NM_000059.4 (MANE Select); coding-DNA position 7481, G replaced by A.
Protein change: p.Arg2494Gln; replaces arginine 2494 with glutamine.
Molecular consequence: missense variant.
Genome position (GRCh38, 1-based): chr13:32,356,473, G>A. VCF-style: chr13-32356473-G-A. GRCh37 (hg19) VCF-style: chr13-32930610-G-A.
Other names: 7709G>A; short protein forms R2494Q.
Identifiers: ClinVar variation 52341 (VCV000052341.29), dbSNP rs80358973, ClinGen allele CA025110.

ClinVar aggregate classification (germline): Conflicting classifications of pathogenicity. Review status: criteria provided, conflicting classifications (1 of 4 stars). 12 submissions from 12 submitters: Uncertain significance (3); Benign (1); Likely benign (6). 2 of the submissions do not count toward it. Last evaluated 2026-02-04.

Conditions:
BRCA2-related cancer predisposition. Identifiers: MedGen CN377758, MONDO:0700269.
Hereditary cancer-predisposing syndrome. Also called: Neoplastic Syndromes, Hereditary; Tumor predisposition; Hereditary Cancer Syndrome; Hereditary neoplastic syndrome. Identifiers: Orphanet 140162, MedGen C0027672, MeSH D009386, MONDO:0015356.
Hereditary breast ovarian cancer syndrome. Also called: Breast and ovarian cancer; BRCA1- and BRCA2-Associated Hereditary Breast and Ovarian Cancer; Hereditary breast and ovarian cancer syndrome; Hereditary breast and/or ovarian cancer syndrome; Hereditary breast and ovarian cancer syndrome (HBOC); Hereditary breast and ovarian cancer. Identifiers: Orphanet 145, MedGen C0677776, MeSH D061325, MONDO:0003582. Disease mechanism: loss of function.
Breast-ovarian cancer, familial, susceptibility to, 2 (BROVCA2). Also called: BRCA2 Hereditary Breast and Ovarian Cancer. Identifiers: Orphanet 145, MedGen C2675520, MONDO:0012933, OMIM 612555. Disease mechanism: loss of function.

Allele frequency attached by ClinVar (database versions not stated): gnomAD exomes 0.00001; TOPMed 0.00001.
gnomAD v4.1: 16 of 1,614,086 alleles (0.00099%); highest among the groups gnomAD compares: Middle Eastern, 0.033%; 1 homozygote.

Submissions (12):

Labcorp Genetics (formerly Invitae), Labcorp
Classification: Likely benign for Hereditary breast ovarian cancer syndrome. Last evaluated: 2026-02-04. Review status: criteria provided, single submitter. Criteria: Invitae Variant Classification Sherloc (09022015). Collection method: clinical testing. Allele origin: germline.

German Consortium for Hereditary Breast and Ovarian Cancer, University Hospital Cologne
Classification: Benign for Hereditary breast ovarian cancer syndrome. Last evaluated: 2025-12-09. Review status: criteria provided, single submitter. Criteria: ClinGen BRCA2 V1.1.0. Collection method: curation. Allele origin: germline.
Comment: This classification follows the ClinGen ENIGMA BRCA2 v1.1.0 classification scheme; We chose these criteria: BP4 (supporting benign): Missense variants inside (potentially) clinically important functional domain, and no predicted impact via protein change or splicing(BayesDel no-AF score ≤ 0.18 AND SpliceAI ≤0.1)., BP5 (very strong benign): Combined LR score 0,00013 Caputo 2021 PMID 34597585, BS3 (strong benign): Table 9 Richardson 2021 (PMID:33609447) Reported by one calibrated study to exhibit protein function similar to benign control variants

Women's Health and Genetics/Laboratory Corporation of America, LabCorp
Classification: Likely benign. Last evaluated: 2025-02-14. Review status: criteria provided, single submitter. Criteria: LabCorp Variant Classification Summary - May 2015. Collection method: clinical testing. Allele origin: germline.
Comment: Variant summary: BRCA2 c.7481G>A (p.Arg2494Gln) results in a conservative amino acid change located in the helical domain (IPR015252) of the encoded protein sequence. Three of five in-silico tools predict a damaging effect of the variant on protein function. The variant allele was found at a frequency of 8e-06 in 251442 control chromosomes. The available data on variant occurrences in the general population are insufficient to allow any conclusion about variant significance. c.7481G>A has been reported in the literature in at least one individual undergoing genetic analysis of the BRCA genes and in another individual with breast and/or ovarian cancer (Apessos_2018, Santarosa_1999). In functional study, the variant showed similar HDR (homology-directed DNA repair) activity compared to wild-type (Guidugli_2018, Richardson_2021). HDR assays qualify as a recognized gold standard on the basis of updated guidance provided by the ClinGen Sequence Variant Interpretation (SVI) working group. This working group has recommended strong functional evidence (ACMG BS3) as sufficient weightage for categorization as likely benign (Tavtigian_2018). The following publications have been ascertained in the context of this evaluation (PMID: 10449599, 28591715, 29310832, 29394989, 31422574, 33609447). ClinVar contains an entry for this variant (Variation ID: 52341). Based on the evidence outlined above, the variant was classified as likely benign.

Quest Diagnostics Nichols Institute San Juan Capistrano
Classification: Likely benign. Last evaluated: 2024-03-22. Review status: criteria provided, single submitter. Criteria: Quest Diagnostics criteria. Collection method: clinical testing. Allele origin: unknown.

Blueprint Genetics
Classification: Likely benign. Last evaluated: 2024-01-12. Review status: criteria provided, single submitter. Criteria: ACMG Guidelines, 2015. Collection method: clinical testing. Allele origin: germline.

Department of Pathology and Laboratory Medicine, Sinai Health System
Classification: Uncertain significance for BRCA2-related cancer predisposition. Last evaluated: 2023-12-18. Review status: criteria provided, single submitter. Criteria: ACMG Guidelines, 2015. Collection method: clinical testing. Allele origin: germline.

GeneDx
Classification: Uncertain significance. Last evaluated: 2019-12-09. Review status: criteria provided, single submitter. Criteria: GeneDx Variant Classification Process June 2021. Collection method: clinical testing. Allele origin: germline. Affected: yes.
Comment: Observed in individuals with personal and/or family history of breast and/or ovarian cancer (Santarosa 1999, Apessos 2018); Published functional studies demonstrate no damaging effect: homology-directed repair activity comparable to wild-type (Guidugli 2018); In silico analysis, which includes protein predictors and evolutionary conservation, supports that this variant does not alter protein structure/function; Also known as 7709G>A; This variant is associated with the following publications: (PMID: 28591715, 10449599, 25801821, 25348012, 27071721, 19043619, 29394989, 29310832, 29884841)

Mendelics
Classification: Uncertain significance for Breast-ovarian cancer, familial, susceptibility to, 2. Last evaluated: 2019-05-28. Review status: criteria provided, single submitter. Criteria: Mendelics Assertion Criteria 2017. Collection method: clinical testing. Allele origin: unknown.

Ambry Genetics
Classification: Likely benign for Hereditary cancer-predisposing syndrome. Last evaluated: 2017-10-02. Review status: criteria provided, single submitter. Criteria: Ambry Variant Classification Scheme 2023. Collection method: clinical testing. Allele origin: germline.

Color Diagnostics, LLC DBA Color Health
Classification: Likely benign for Hereditary cancer-predisposing syndrome. Last evaluated: 2017-04-19. Review status: criteria provided, single submitter. Criteria: ACMG Guidelines, 2015. Collection method: clinical testing. Allele origin: germline.

Sharing Clinical Reports Project (SCRP)
Classification: Likely benign for Breast-ovarian cancer, familial 2. Last evaluated: 2012-05-01. Review status: no assertion criteria provided. Collection method: clinical testing. Allele origin: germline. Not counted in ClinVar's aggregate classification.

Breast Cancer Information Core (BIC) (BRCA2)
Classification: Uncertain significance for Breast-ovarian cancer, familial 2. Last evaluated: 1999-06-22. Review status: no assertion criteria provided. Collection method: clinical testing. Allele origin: germline. Affected: yes. Observed: 2 variant alleles. Not counted in ClinVar's aggregate classification.

Literature cited by the submitters: PubMed 10449599 (cited by 4 submitters); PubMed 28591715 (cited by Women's Health and Genetics/Laboratory Corporation of America, LabCorp and Quest Diagnostics Nichols Institute San Juan Capistrano); PubMed 29310832 (cited by 3 submitters); PubMed 29394989 (cited by 3 submitters); PubMed 31422574 (cited by Women's Health and Genetics/Laboratory Corporation of America, LabCorp and Quest Diagnostics Nichols Institute San Juan Capistrano); PubMed 33609447 (cited by 3 submitters); PubMed 34597585 (cited by Quest Diagnostics Nichols Institute San Juan Capistrano); PubMed 19043619 (cited by Quest Diagnostics Nichols Institute San Juan Capistrano); PubMed 35264596 (cited by Quest Diagnostics Nichols Institute San Juan Capistrano).